The following is an entry in ClinVar:

ClinVar aggregate classification (germline): Uncertain significance (1 of 4 stars; one submission).

Conditions:
Inborn genetic diseases. Identifiers: MedGen C0950123, MeSH D030342.

Submission:

Ambry Genetics
Classification: Uncertain significance for Inborn genetic diseases. Last evaluated: 2025-02-19. Review status: criteria provided, single submitter. Criteria: Ambry Variant Classification Scheme 2023. Collection method: clinical testing. Allele origin: germline.
Comment: The p.Q963L variant (also known as c.2888A>T), located in coding exon 29 of the RTEL1 gene, results from an A to T substitution at nucleotide position 2888. The glutamine at codon 963 is replaced by leucine, an amino acid with dissimilar properties. This amino acid position is conserved. In addition, this alteration is predicted to be tolerated by in silico analysis. Based on the available evidence, the clinical significance of this variant remains unclear.

NM_001283009.2(RTEL1):c.2888A>T (p.Gln963Leu)

Genes: RTEL1 (regulator of telomere elongation helicase 1; plus strand), RTEL1-TNFRSF6B (RTEL1-TNFRSF6B readthrough (NMD candidate); plus strand). Cytogenetic location: 20q13.33.
Variant type: single nucleotide variant.
Coding change: c.2888A>T on transcript NM_001283009.2 (MANE Select); coding-DNA position 2888, A replaced by T.
Protein change: p.Gln963Leu; replaces glutamine 963 with leucine.
Molecular consequence: missense variant. On other transcripts: non-coding transcript variant (1).
Genome position (GRCh38, 1-based): chr20:63,693,179, A>T. VCF-style: chr20-63693179-A-T. GRCh37 (hg19) VCF-style: chr20-62324532-A-T.
Other names: c.2219A>T, p.Gln740Leu (NM_001283010.1); c.2888A>T, p.Gln963Leu (NM_016434.4); c.2960A>T, p.Gln987Leu (NM_032957.5); short protein forms Q740L, Q963L, Q987L.
Identifiers: ClinVar variation 3791162 (VCV003791162.1).